The following is an entry in ClinVar:

NM_004415.4(DSP):c.3444T>A (p.Cys1148Ter)

Gene: DSP (desmoplakin; plus strand). Cytogenetic location: 6p24.3.
Variant type: single nucleotide variant.
Coding change: c.3444T>A on transcript NM_004415.4 (MANE Select); coding-DNA position 3444, T replaced by A.
Protein change: p.Cys1148Ter; replaces cysteine 1148 with a stop codon.
Molecular consequence: nonsense.
Genome position (GRCh38, 1-based): chr6:7,579,634, T>A. VCF-style: chr6-7579634-T-A. GRCh37 (hg19) VCF-style: chr6-7579867-T-A.
Other names: c.3444T>A, p.Cys1148Ter (NM_001008844.3, NM_001319034.2); short protein forms C1148*.
Identifiers: ClinVar variation 1803201 (VCV001803201.2), dbSNP rs2533923696, ClinGen allele CA362684068.
Genomic context (GRCh38, chr6:7,579,634, plus strand): 5'-GGAAGACAGATTTGACCAACAGAAGAATGACTATGACCAACTGCAGAAAGCAAGGCAATG[T>A]GAAAAGGAGAACCTTGGTTGGCAGAAATTAGAGTCTGAGAAAGCCATCAAGGAGAAGGAG-3'

ClinVar aggregate classification (germline): Pathogenic (1 of 4 stars; one submission).

Conditions:
Primary dilated cardiomyopathy (DCM). Also called: Dilated Cardiomyopathy. Identifiers: Orphanet 217604, MedGen C0007193, MeSH D002311, MONDO:0005021, HP:0001644. Inheritance: Various modes of inheritance.

Submission:

Genetics and Molecular Pathology, SA Pathology
Classification: Pathogenic for Primary dilated cardiomyopathy. Last evaluated: 2022-02-09. Review status: criteria provided, single submitter. Criteria: ACMG Guidelines, 2015. Collection method: clinical testing. Allele origin: germline. Inheritance: Autosomal dominant inheritance. Affected: yes.
Comment: The DSP c.3444T>A variant is classified as Pathogenic (PVS1, PM2, PP1_Moderate) The DSP c.3444T>A variant is a single nucleotide change which is predicted to result in premature termination of the protein product at codon 1148. The resultant mRNA product is expected to undergo nonsense mediated decay. Truncating variants in DSP are significantly enriched in patients with DCM compared with controls (EF=0.98) and there is a strong gene-disease validity per ClinGen review 2020. This is further supported by a paper in pre-print specific to DSP truncating variants (Hoorntje / Ingles et al. pers.comm) (PVS1). This variant is absent from population databases (PM2). This variant has not been reported in dbSNP, ClinVar or HGMD. Segregation testing of affected family members confirmed this variant segregates with disease in 4 individuals in this family (PP1_Moderate).